The following is an entry in ClinVar:

NM_001365276.2(TNXB):c.7646T>C (p.Phe2549Ser)

Gene: TNXB (tenascin XB; minus strand). Cytogenetic location: 6p21.33.
Variant type: single nucleotide variant.
Coding change: c.7646T>C on transcript NM_001365276.2 (MANE Select); coding-DNA position 7646, T replaced by C.
Protein change: p.Phe2549Ser; replaces phenylalanine 2549 with serine.
Molecular consequence: missense variant.
Genome position (GRCh38, 1-based): chr6:32,058,237, A>G on the plus strand (T>C on the coding strand, the complement: TNXB is on the minus strand). VCF-style: chr6-32058237-A-G. GRCh37 (hg19) VCF-style: chr6-32026014-A-G.
Other names: c.7646T>C (NM_019105.6); c.7646T>C, p.Phe2549Ser (NM_019105.8); short protein forms F2549S.
Identifiers: ClinVar variation 3026508 (VCV003026508.23), dbSNP rs1270421635, ClinGen allele CA363551430.

ClinVar aggregate classification (germline): Uncertain significance. Review status: criteria provided, multiple submitters, no conflicts (2 of 4 stars). 2 submissions from 2 submitters: Uncertain significance (2). Last evaluated 2024-10-15.

Conditions:
Cardiovascular phenotype. Identifiers: MedGen CN230736.

Submissions (2):

Ambry Genetics
Classification: Uncertain significance for Cardiovascular phenotype. Last evaluated: 2024-10-15. Review status: criteria provided, single submitter. Criteria: Ambry Variant Classification Scheme 2023. Collection method: clinical testing. Allele origin: germline.
Comment: The p.F2549S variant (also known as c.7646T>C), located in coding exon 21 of the TNXB gene, results from a T to C substitution at nucleotide position 7646. The phenylalanine at codon 2549 is replaced by serine, an amino acid with highly dissimilar properties. This amino acid position is conserved. In addition, the in silico prediction for this alteration is inconclusive. Based on the available evidence, the clinical significance of this variant remains unclear.

CeGaT Center for Human Genetics Tuebingen
Classification: Uncertain significance. Last evaluated: 2023-12-01. Review status: criteria provided, single submitter. Criteria: CeGaT Center For Human Genetics Tuebingen Variant Classification Criteria Version 2. Collection method: clinical testing. Allele origin: germline. Affected: yes. Observed: 1 variant allele.
Comment: TNXB: PM2